The following is an entry in ClinVar:

ClinVar aggregate classification (germline): Pathogenic. Review status: criteria provided, multiple submitters, no conflicts (2 of 4 stars). 2 submissions from 2 submitters: Pathogenic (2). Last evaluated 2026-03-20.

Conditions:
Osteogenesis imperfecta type 8 (OI8). Identifiers: MedGen C1970458, MONDO:0012581, OMIM 610915.
P3H1-related disorder. Also called: P3H1-related condition.

Submissions (2):

PreventionGenetics, part of Exact Sciences
Classification: Pathogenic for P3H1-related condition. Last evaluated: 2026-03-20. Review status: criteria provided, single submitter. Criteria: ACMG Guidelines, 2015. Collection method: clinical testing. Allele origin: germline.
Comment: The P3H1 c.1881_1882delTT variant is predicted to result in a frameshift and premature protein termination (p.Phe627Leufs*4). This variant has been reported in the homozygous or compound heterozygous state in individuals with osteogenesis imperfecta (Pepin et al. 2013. PubMed ID: 24498616). This variant is reported in 0.00088% of alleles in individuals of European (Non-Finnish) descent in gnomAD. Frameshift variants in P3H1 are expected to be pathogenic. This variant is interpreted as pathogenic.

Labcorp Genetics (formerly Invitae), Labcorp
Classification: Pathogenic for Osteogenesis imperfecta type 8. Last evaluated: 2024-01-04. Review status: criteria provided, single submitter. Criteria: Invitae Variant Classification Sherloc (09022015). Collection method: clinical testing. Allele origin: germline.
Comment: This sequence change creates a premature translational stop signal (p.Phe627Leufs*4) in the P3H1 gene. It is expected to result in an absent or disrupted protein product. Loss-of-function variants in P3H1 are known to be pathogenic (PMID: 17277775, 18566967, 19088120, 22281939). This variant is present in population databases (rs769409112, gnomAD 0.0009%). This premature translational stop signal has been observed in individual(s) with osteogenesis imperfecta (PMID: 24498616). For these reasons, this variant has been classified as Pathogenic.

Literature cited by the submitters: PubMed 17277775 (cited by Labcorp Genetics (formerly Invitae), Labcorp); PubMed 18566967 (cited by Labcorp Genetics (formerly Invitae), Labcorp); PubMed 19088120 (cited by Labcorp Genetics (formerly Invitae), Labcorp); PubMed 22281939 (cited by Labcorp Genetics (formerly Invitae), Labcorp); PubMed 24498616 (cited by Labcorp Genetics (formerly Invitae), Labcorp).

NM_022356.4(P3H1):c.1881_1882del (p.Phe627fs)

Gene: P3H1 (prolyl 3-hydroxylase 1; minus strand). Cytogenetic location: 1p34.2.
Variant type: Deletion.
Coding change: c.1881_1882del on transcript NM_022356.4 (MANE Select); coding-DNA positions 1881 to 1882, 2 bases deleted (TT; older notation c.1881_1882delTT).
Protein change: p.Phe627fs; shifts the reading frame from phenylalanine 627.
Molecular consequence: frameshift variant.
Genome position (GRCh38, 1-based): chr1:42,747,755-42,747,756, AA deleted on the plus strand (TT on the coding strand, the reverse complement: P3H1 is on the minus strand); deleting any 2 consecutive bases within chr1:42,747,755-42,747,758 gives the same sequence; the c. name uses the placement nearest the transcript's 3' end. VCF-style (leftmost placement, unchanged base first): chr1-42747754-TAA-T. GRCh37 (hg19) VCF-style: chr1-43213425-TAA-T.
Other names: c.1881_1882delTT (NM_022356.3); c.1881_1882del, p.Phe627fs (NM_001146289.2, NM_001243246.2); short protein forms F627fs.
Identifiers: ClinVar variation 2761792 (VCV002761792.4), dbSNP rs769409112, ClinGen allele CA801662.